The following is an entry in ClinVar:

ClinVar aggregate classification (germline): Uncertain significance (1 of 4 stars; one submission).

Submission:

GeneDx
Classification: Uncertain significance. Last evaluated: 2026-03-19. Review status: criteria provided, single submitter. Criteria: GeneDx Variant Classification Process June 2021. Collection method: clinical testing. Allele origin: germline.
Comment: Not observed at significant frequency in large population cohorts (gnomAD); In silico analysis supports that this missense variant has a deleterious effect on protein structure/function; Has not been previously published as pathogenic or benign to our knowledge

NM_001037283.2(EIF3B):c.1466T>A (p.Ile489Asn)

Gene: EIF3B (eukaryotic translation initiation factor 3 subunit B; plus strand). Cytogenetic location: 7p22.3.
Variant type: single nucleotide variant.
Coding change: c.1466T>A on transcript NM_001037283.2 (MANE Select); coding-DNA position 1466, T replaced by A.
Protein change: p.Ile489Asn; replaces isoleucine 489 with asparagine.
Molecular consequence: missense variant.
Genome position (GRCh38, 1-based): chr7:2,369,534, T>A. VCF-style: chr7-2369534-T-A. GRCh37 (hg19) VCF-style: chr7-2409169-T-A.
Other names: c.1466T>A, p.Ile489Asn (NM_001362791.2, NM_003751.4); c.650T>A, p.Ile217Asn (NM_001362792.2, NM_001362793.2); short protein forms I489N, I217N.
Identifiers: ClinVar variation 5009477 (VCV005009477.1).